The following is an entry in ClinVar:

NM_000051.4(ATM):c.1261_1263del (p.Ser421del)

Gene: ATM (ATM serine/threonine kinase; plus strand). Cytogenetic location: 11q22.3.
Variant type: Deletion.
Coding change: c.1261_1263del on transcript NM_000051.4 (MANE Select); coding-DNA positions 1261 to 1263, 3 bases deleted (TCA; older notation c.1261_1263delTCA).
Protein change: p.Ser421del; deletes serine 421.
Molecular consequence: inframe deletion.
Genome position (GRCh38, 1-based): chr11:108,250,726-108,250,728, TCA deleted; deleting any 3 consecutive bases within chr11:108,250,725-108,250,728 gives the same sequence; the c. name uses the placement nearest the transcript's 3' end. VCF-style (leftmost placement, unchanged base first): chr11-108250724-TATC-T. GRCh37 (hg19) VCF-style: chr11-108121451-TATC-T.
Other names: c.1261_1263delTCA (NM_000051.3); c.1261_1263del, p.Ser421del (NM_001351834.2); short protein forms S421del.
Identifiers: ClinVar variation 481262 (VCV000481262.5), dbSNP rs1555070666, ClinGen allele CA658656138.

ClinVar aggregate classification (germline): Uncertain significance (1 of 4 stars; one submission).

Conditions:
Hereditary cancer-predisposing syndrome. Also called: Hereditary Cancer Syndrome; Neoplastic Syndromes, Hereditary; Tumor predisposition; Hereditary neoplastic syndrome. Identifiers: Orphanet 140162, MedGen C0027672, MeSH D009386, MONDO:0015356.

Submission:

Ambry Genetics
Classification: Uncertain significance for Hereditary cancer-predisposing syndrome. Last evaluated: 2016-06-21. Review status: criteria provided, single submitter. Criteria: Ambry Variant Classification Scheme 2023. Collection method: clinical testing. Allele origin: germline.
Comment: The c.1261_1263delTCA variant (also known as p.S421del) is located in coding exon 9 of the ATM gene. This variant results from an in-frame deletion of 3 nucelotides at positions 1261 and 1263, causing the removal of a well-conserved serine residue at codon 421. Since supporting evidence is limited at this time, the clinical significance of this alteration remains unclear.